The following is an entry in ClinVar:

ClinVar aggregate classification (germline): Benign. Review status: criteria provided, multiple submitters, no conflicts (2 of 4 stars). 3 submissions from 3 submitters: Benign (2). 1 of the submissions does not count toward it. Last evaluated 2019-12-31.

Conditions:
ROBO4-related disorder. Also called: ROBO4-related condition.

Allele frequency attached by ClinVar (database versions not stated): gnomAD exomes 0.00199; ExAC 0.00254; gnomAD 0.00740 and 0.00820; 1000 Genomes Project 0.00779; 1000 Genomes Project 30x 0.00828; TOPMed 0.00881; ESP Exome Variant Server 0.00908.
gnomAD v4.1: 2,247 of 1,613,976 alleles (0.14%); highest among the groups gnomAD compares: African/African-American, 2.7%; 20 homozygotes.

Submissions (3):

Labcorp Genetics (formerly Invitae), Labcorp
Classification: Benign. Last evaluated: 2019-12-31. Review status: criteria provided, single submitter. Criteria: Invitae Variant Classification Sherloc (09022015). Collection method: clinical testing. Allele origin: germline.

Breakthrough Genomics
Classification: Benign. Review status: criteria provided, single submitter. Criteria: ACMG Guidelines, 2015. Collection method: not provided. Allele origin: germline. Inheritance: Autosomal dominant inheritance. Affected: yes.

PreventionGenetics, part of Exact Sciences
Classification: Benign for ROBO4-related condition. Last evaluated: 2024-04-04. Review status: no assertion criteria provided. Collection method: clinical testing. Allele origin: germline. Not counted in ClinVar's aggregate classification.
Comment: This variant is classified as benign based on ACMG/AMP sequence variant interpretation guidelines (Richards et al. 2015 PMID: 25741868, with internal and published modifications).

NM_019055.6(ROBO4):c.34A>C (p.Arg12=)

Gene: ROBO4 (roundabout guidance receptor 4; minus strand). Cytogenetic location: 11q24.2.
Variant type: single nucleotide variant.
Coding change: c.34A>C on transcript NM_019055.6 (MANE Select); coding-DNA position 34, A replaced by C.
Protein change: p.Arg12=; no amino-acid change (arginine 12 retained).
Molecular consequence: synonymous variant. On other transcripts: 5 prime UTR variant (1).
Genome position (GRCh38, 1-based): chr11:124,897,762, T>G on the plus strand (A>C on the coding strand, the complement: ROBO4 is on the minus strand). VCF-style: chr11-124897762-T-G. GRCh37 (hg19) VCF-style: chr11-124767658-T-G.
Other names: c.-196A>C (NM_001301088.2).
Identifiers: ClinVar variation 790111 (VCV000790111.7), dbSNP rs79793746, ClinGen allele CA6345437.